The following is an entry in ClinVar:

ClinVar aggregate classification (germline): Uncertain significance. Review status: criteria provided, multiple submitters, no conflicts (2 of 4 stars). 2 submissions from 2 submitters: Uncertain significance (2). Last evaluated 2025-01-07.

Conditions:
Inborn genetic diseases. Identifiers: MedGen C0950123, MeSH D030342.
FOXE1-related disorder. Also called: FOXE1-related condition.

Allele frequency attached by ClinVar (database versions not stated): gnomAD 0.00003; gnomAD exomes 0.00004; TOPMed 0.00004.

Submissions (2):

Ambry Genetics
Classification: Uncertain significance for Inborn genetic diseases. Last evaluated: 2025-01-07. Review status: criteria provided, single submitter. Criteria: Ambry Variant Classification Scheme 2023. Collection method: clinical testing. Allele origin: germline.

PreventionGenetics, part of Exact Sciences
Classification: Uncertain significance for FOXE1-related condition. Last evaluated: 2023-03-06. Review status: criteria provided, single submitter. Criteria: ACMG Guidelines, 2015. Collection method: clinical testing. Allele origin: germline.
Comment: The FOXE1 c.616G>A variant is predicted to result in the amino acid substitution p.Ala206Thr. To our knowledge, this variant has not been reported in the literature or in a large population database, indicating this variant is rare. At this time, the clinical significance of this variant is uncertain due to the absence of conclusive functional and genetic evidence.

NM_004473.4(FOXE1):c.616G>A (p.Ala206Thr)

Gene: FOXE1 (forkhead box E1; plus strand). Cytogenetic location: 9q22.33.
Variant type: single nucleotide variant.
Coding change: c.616G>A on transcript NM_004473.4 (MANE Select); coding-DNA position 616, G replaced by A.
Protein change: p.Ala206Thr; replaces alanine 206 with threonine.
Molecular consequence: missense variant.
Genome position (GRCh38, 1-based): chr9:97,854,530, G>A. VCF-style: chr9-97854530-G-A. GRCh37 (hg19) VCF-style: chr9-100616812-G-A.
Other names: short protein forms A206T.
Identifiers: ClinVar variation 2634068 (VCV002634068.2), dbSNP rs774373703, ClinGen allele CA5149133.